The following is an entry in ClinVar:

NM_138420.4(AHNAK2):c.5209T>A (p.Phe1737Ile)

Gene: AHNAK2 (AHNAK nucleoprotein 2; minus strand). Cytogenetic location: 14q32.33.
Variant type: single nucleotide variant.
Coding change: c.5209T>A on transcript NM_138420.4 (MANE Select); coding-DNA position 5209, T replaced by A.
Protein change: p.Phe1737Ile; replaces phenylalanine 1737 with isoleucine.
Molecular consequence: missense variant.
Genome position (GRCh38, 1-based): chr14:104,950,242, A>T on the plus strand (T>A on the coding strand, the complement: AHNAK2 is on the minus strand). VCF-style: chr14-104950242-A-T. GRCh37 (hg19) VCF-style: chr14-105416579-A-T.
Other names: c.4909T>A, p.Phe1637Ile (NM_001350929.2); short protein forms F1637I, F1737I.
Identifiers: ClinVar variation 2672576 (VCV002672576.23), dbSNP rs199558670, ClinGen allele CA391285572.
Genomic context (GRCh38, chr14:104,950,242, plus strand): 5'-TGAGGGCCACTTTGGGCATCTTCAAACTGGGCATCTGCACCTTGGGGAGGTGCCCTTTGA[A>T]GCCGGCTCCCTCGGGAAGGGGGCCCTCCGGGAGTTTCACGTTCACTTGGCCAGCCTGGAC-3'
Protein context (NP_612429.2, residues 1727-1747): PEGPLPEGAG[Phe1737Ile]KGHLPKVQMP

ClinVar aggregate classification (germline): Uncertain significance (1 of 4 stars; one submission).

Submission:

CeGaT Center for Human Genetics Tuebingen
Classification: Uncertain significance. Last evaluated: 2023-11-01. Review status: criteria provided, single submitter. Criteria: CeGaT Center For Human Genetics Tuebingen Variant Classification Criteria Version 2. Collection method: clinical testing. Allele origin: germline. Affected: yes. Observed: 1 variant allele.
Comment: AHNAK2: PM2, BP4